The following is an entry in ClinVar:

ClinVar aggregate classification (germline): Uncertain significance (1 of 4 stars; one submission).

Conditions:
Noonan syndrome 8 (NS8). Identifiers: Orphanet 648, MedGen C3809233, MONDO:0014143, OMIM 615355.

Submission:

Labcorp Genetics (formerly Invitae), Labcorp
Classification: Uncertain significance for Noonan syndrome 8. Last evaluated: 2025-09-10. Review status: criteria provided, single submitter. Criteria: Invitae Variant Classification Sherloc (09022015). Collection method: clinical testing. Allele origin: germline.
Comment: This sequence change replaces valine, which is neutral and non-polar, with glycine, which is neutral and non-polar, at codon 8 of the RIT1 protein (p.Val8Gly). This variant is not present in population databases (gnomAD no frequency). This variant has not been reported in the literature in individuals affected with RIT1-related conditions. Invitae Evidence Modeling of protein sequence and biophysical properties (such as structural, functional, and spatial information, amino acid conservation, physicochemical variation, residue mobility, and thermodynamic stability) indicates that this missense variant is not expected to disrupt RIT1 protein function with a negative predictive value of 95%. In summary, the available evidence is currently insufficient to determine the role of this variant in disease. Therefore, it has been classified as a Variant of Uncertain Significance.

NM_006912.6(RIT1):c.23T>G (p.Val8Gly)

Gene: RIT1 (Ras like without CAAX 1; minus strand). Cytogenetic location: 1q22.
Variant type: single nucleotide variant.
Coding change: c.23T>G on transcript NM_006912.6 (MANE Select); coding-DNA position 23, T replaced by G.
Protein change: p.Val8Gly; replaces valine 8 with glycine.
Molecular consequence: missense variant. On other transcripts: intron variant (1).
Genome position (GRCh38, 1-based): chr1:155,910,739, A>C on the plus strand (T>G on the coding strand, the complement: RIT1 is on the minus strand). VCF-style: chr1-155910739-A-C. GRCh37 (hg19) VCF-style: chr1-155880530-A-C.
Other names: c.74T>G, p.Val25Gly (NM_001256821.2); c.-2-233T>G (NM_001256820.2); short protein forms V25G, V8G.
Identifiers: ClinVar variation 4736653 (VCV004736653.1).
Genomic context (GRCh38, chr1:155,910,739, plus strand): 5'-CCCAGCATCACTAGTTTGTACTCCCGTGAGAGCCCAGCGGGGCTGCTACAGCAGCTACCA[A>C]CTGGGCGAGTTCCAGAATCCATTGTCCTCTTGGGGCCTTCCTCGGTTGCCCCGAGGAAAA-3'
Protein context (NP_008843.1, residues 1-18): MDSGTRP[Val8Gly]GSCCSSPAGL